The following is an entry in ClinVar:

ClinVar aggregate classification (germline): Pathogenic (1 of 4 stars; one submission).

Conditions:
Neurofibromatosis, type 1 (NF1). Also called: NEUROFIBROMATOSIS, TYPE I, SOMATIC; Peripheral type neurofibromatosis; Neurofibromatosis, type I; VON RECKLINGHAUSEN DISEASE. Identifiers: Orphanet 636, MedGen C0027831, MONDO:0018975, OMIM 162200. Disease mechanism: loss of function.

Submission:

Labcorp Genetics (formerly Invitae), Labcorp
Classification: Pathogenic for Neurofibromatosis, type 1. Last evaluated: 2025-01-23. Review status: criteria provided, single submitter. Criteria: Invitae Variant Classification Sherloc (09022015). Collection method: clinical testing. Allele origin: germline.
Comment: This sequence change creates a premature translational stop signal (p.Asp556Ilefs*12) in the NF1 gene. It is expected to result in an absent or disrupted protein product. Loss-of-function variants in NF1 are known to be pathogenic (PMID: 10712197, 23913538). This variant is not present in population databases (gnomAD no frequency). This variant has not been reported in the literature in individuals affected with NF1-related conditions. For these reasons, this variant has been classified as Pathogenic.

Literature cited by the submitters: PubMed 10712197; PubMed 23913538.

NM_001042492.3(NF1):c.1665del (p.Asp556fs)

Gene: NF1 (neurofibromin 1; plus strand). Cytogenetic location: 17q11.2.
Variant type: Deletion.
Coding change: c.1665del on transcript NM_001042492.3 (MANE Select); coding-DNA position 1665, one base deleted (A; older notation c.1665delA).
Protein change: p.Asp556fs; shifts the reading frame from aspartic acid 556.
Molecular consequence: frameshift variant.
Genome position (GRCh38, 1-based): chr17:31,221,873, A deleted. VCF-style (leftmost placement, unchanged base first): chr17-31221872-TA-T. GRCh37 (hg19) VCF-style: chr17-29548890-TA-T.
Other names: c.1665del, p.Asp556fs (NM_001128147.3); c.1665delA, p.Asp556Ilefs (NM_000267.4); short protein forms D556fs.
Identifiers: ClinVar variation 3728480 (VCV003728480.2).